The following is an entry in ClinVar:

ClinVar aggregate classification (germline): Uncertain significance. Review status: criteria provided, multiple submitters, no conflicts (2 of 4 stars). 2 submissions from 2 submitters: Uncertain significance (2). Last evaluated 2024-11-17.

Conditions:
Cardiomyopathy (CMYO). Also called: Cardiomyopathies. Identifiers: Orphanet 167848, MedGen C0878544, MONDO:0004994, HP:0001638. Inheritance: Various modes of inheritance.
Cardiovascular phenotype. Identifiers: MedGen CN230736.

Submissions (2):

Ambry Genetics
Classification: Uncertain significance for Cardiovascular phenotype. Last evaluated: 2024-11-17. Review status: criteria provided, single submitter. Criteria: Ambry Variant Classification Scheme 2023. Collection method: clinical testing. Allele origin: germline.
Comment: The p.S843L variant (also known as c.2528C>T), located in coding exon 18 of the DSP gene, results from a C to T substitution at nucleotide position 2528. The serine at codon 843 is replaced by leucine, an amino acid with dissimilar properties. This amino acid position is conserved. In addition, this alteration is predicted to be tolerated by in silico analysis. Based on the available evidence, the clinical significance of this variant remains unclear.

Color Diagnostics, LLC DBA Color Health
Classification: Uncertain significance for Cardiomyopathy. Last evaluated: 2020-06-24. Review status: criteria provided, single submitter. Criteria: ACMG Guidelines, 2015. Collection method: clinical testing. Allele origin: germline.
Comment: This missense variant replaces serine with leucine at codon 843 of the DSP protein. Computational prediction suggests that this variant may not impact protein structure and function (internally defined REVEL score threshold <= 0.5, PMID: 27666373). To our knowledge, functional studies have not been reported for this variant. This variant has not been reported in individuals affected with cardiovascular disorders in the literature. This variant has not been identified in the general population by the Genome Aggregation Database (gnomAD). The available evidence is insufficient to determine the role of this variant in disease conclusively. Therefore, this variant is classified as a Variant of Uncertain Significance.

NM_004415.4(DSP):c.2528C>T (p.Ser843Leu)

Gene: DSP (desmoplakin; plus strand). Cytogenetic location: 6p24.3.
Variant type: single nucleotide variant.
Coding change: c.2528C>T on transcript NM_004415.4 (MANE Select); coding-DNA position 2528, C replaced by T.
Protein change: p.Ser843Leu; replaces serine 843 with leucine.
Molecular consequence: missense variant.
Genome position (GRCh38, 1-based): chr6:7,575,386, C>T. VCF-style: chr6-7575386-C-T. GRCh37 (hg19) VCF-style: chr6-7575619-C-T.
Other names: c.2528C>T, p.Ser843Leu (NM_001008844.3, NM_001319034.2); short protein forms S843L.
Identifiers: ClinVar variation 1171168 (VCV001171168.3), dbSNP rs1057518920, ClinGen allele CA362681542.